The following is an entry in ClinVar:

ClinVar aggregate classification (germline): Uncertain significance (1 of 4 stars; one submission).

gnomAD v4.1: 1 of 1,546,432 alleles (0.000065%); highest among the groups gnomAD compares: Non-Finnish European, 0.000087%; no homozygotes.

Submission:

Labcorp Genetics (formerly Invitae), Labcorp
Classification: Uncertain significance. Last evaluated: 2023-09-26. Review status: criteria provided, single submitter. Criteria: Invitae Variant Classification Sherloc (09022015). Collection method: clinical testing. Allele origin: germline.
Comment: In summary, the available evidence is currently insufficient to determine the role of this variant in disease. Therefore, it has been classified as a Variant of Uncertain Significance. An algorithm developed to predict the effect of missense changes on protein structure and function (PolyPhen-2) suggests that this variant is likely to be tolerated. This variant has not been reported in the literature in individuals affected with DGKZ-related conditions. This variant is not present in population databases (gnomAD no frequency). This sequence change replaces arginine, which is basic and polar, with glycine, which is neutral and non-polar, at codon 186 of the DGKZ protein (p.Arg186Gly).

NM_001199267.2(DGKZ):c.162-479C>G

Gene: DGKZ (diacylglycerol kinase zeta; plus strand). Cytogenetic location: 11p11.2.
Variant type: single nucleotide variant.
Coding change: c.162-479C>G on transcript NM_001199267.2 (MANE Select); 479 bases into the intron before coding-DNA position 162, C replaced by G.
Molecular consequence: intron variant. On other transcripts: missense variant (1).
Genome position (GRCh38, 1-based): chr11:46,366,812, C>G. VCF-style: chr11-46366812-C-G. GRCh37 (hg19) VCF-style: chr11-46388362-C-G.
Other names: c.162-479C>G (NM_003646.4, NM_001199268.2, NM_001199266.2); c.556C>G, p.Arg186Gly (NM_001105540.2); c.213-479C>G (NM_201532.3); c.177-479C>G (NM_201533.3); short protein forms R186G.
Identifiers: ClinVar variation 2964889 (VCV002964889.3), dbSNP rs1428272282, ClinGen allele CA380211917.